The following is an entry in ClinVar:

ClinVar aggregate classification (germline): Conflicting classifications of pathogenicity. Review status: criteria provided, conflicting classifications (1 of 4 stars). 3 submissions from 3 submitters: Uncertain significance (1); Benign (1); Likely benign (1). Last evaluated 2026-07-20.

Conditions:
Kabuki syndrome 1 (KABUK1). Also called: KMT2D-Related Kabuki Syndrome. Identifiers: Orphanet 2322, MedGen CN030661, MONDO:0007843, OMIM 147920.
Choanal atresia-athelia-hypothyroidism-delayed puberty-short stature syndrome (BCAHH). Also called: BRANCHIAL ARCH ABNORMALITIES, CHOANAL ATRESIA, ATHELIA, HEARING LOSS, AND HYPOTHYROIDISM SYNDROME. Identifiers: Orphanet 589856, MedGen C5680310, MONDO:0035651, OMIM 620186.
Kabuki syndrome. Also called: NIIKAWA-KUROKI SYNDROME; Kabuki make-up syndrome. Identifiers: Orphanet 2322, MedGen C0796004, MONDO:0016512.
KMT2D-related disorder. Also called: KMT2D-Related Disorders.

Allele frequency attached by ClinVar (database versions not stated): gnomAD 0.00002; gnomAD exomes 0.00002; ExAC 0.00004; TOPMed 0.00005.
gnomAD v4.1: 24 of 1,533,888 alleles (0.0016%); highest among the groups gnomAD compares: East Asian, 0.045%; no homozygotes.

Submissions (3):

PreventionGenetics, part of Exact Sciences
Classification: Likely benign for KMT2D-related condition. Last evaluated: 2026-07-20. Review status: criteria provided, single submitter. Criteria: ACMG Guidelines, 2015. Collection method: clinical testing. Allele origin: germline.
Comment: This variant is classified as likely benign based on ACMG/AMP sequence variant interpretation guidelines (Richards et al. 2015 PMID: 25741868, with internal and published modifications).

Labcorp Genetics (formerly Invitae), Labcorp
Classification: Benign for Kabuki syndrome. Last evaluated: 2025-01-30. Review status: criteria provided, single submitter. Criteria: Invitae Variant Classification Sherloc (09022015). Collection method: clinical testing. Allele origin: germline.

Fulgent Genetics
Classification: Uncertain significance for Kabuki syndrome 1; Choanal atresia-athelia-hypothyroidism-delayed puberty-short stature syndrome. Last evaluated: 2024-01-14. Review status: criteria provided, single submitter. Criteria: ACMG Guidelines, 2015. Collection method: clinical testing. Allele origin: germline.

NM_003482.4(KMT2D):c.6682A>G (p.Thr2228Ala)

Gene: KMT2D (lysine methyltransferase 2D; minus strand). Cytogenetic location: 12q13.12.
Variant type: single nucleotide variant.
Coding change: c.6682A>G on transcript NM_003482.4 (MANE Select); coding-DNA position 6682, A replaced by G.
Protein change: p.Thr2228Ala; replaces threonine 2228 with alanine.
Molecular consequence: missense variant.
Genome position (GRCh38, 1-based): chr12:49,041,088, T>C on the plus strand (A>G on the coding strand, the complement: KMT2D is on the minus strand). VCF-style: chr12-49041088-T-C. GRCh37 (hg19) VCF-style: chr12-49434871-T-C.
Other names: short protein forms T2228A.
Identifiers: ClinVar variation 2730165 (VCV002730165.5), dbSNP rs750815710, ClinGen allele CA6547196.